The following is an entry in ClinVar:

NM_001242896.3(DEPDC5):c.828A>T (p.Lys276Asn)

Gene: DEPDC5 (DEP domain containing 5, GATOR1 subcomplex subunit; plus strand). Cytogenetic location: 22q12.2.
Variant type: single nucleotide variant.
Coding change: c.828A>T on transcript NM_001242896.3 (MANE Select); coding-DNA position 828, A replaced by T.
Protein change: p.Lys276Asn; replaces lysine 276 with asparagine.
Molecular consequence: missense variant. On other transcripts: non-coding transcript variant (5).
Genome position (GRCh38, 1-based): chr22:31,797,660, A>T. VCF-style: chr22-31797660-A-T. GRCh37 (hg19) VCF-style: chr22-32193646-A-T.
Other names: c.828A>T, p.Lys276Asn (NM_001007188.4, NM_001136029.4, NM_001242897.2 and 7 more transcripts); c.744A>T, p.Lys248Asn (NM_001369901.1, NM_001369902.1); short protein forms K248N, K276N.
Identifiers: ClinVar variation 3373608 (VCV003373608.1).

ClinVar aggregate classification (germline): Uncertain significance (1 of 4 stars; one submission).

Submission:

GeneDx
Classification: Uncertain significance. Last evaluated: 2024-03-05. Review status: criteria provided, single submitter. Criteria: GeneDx Variant Classification Process June 2021. Collection method: clinical testing. Allele origin: germline. Affected: yes.
Comment: Not observed at significant frequency in large population cohorts (gnomAD); In silico analysis supports that this missense variant has a deleterious effect on protein structure/function; Has not been previously published as pathogenic or benign to our knowledge